The following is an entry in ClinVar:

ClinVar aggregate classification (germline): Pathogenic (1 of 4 stars; one submission).

Submission:

Labcorp Genetics (formerly Invitae), Labcorp
Classification: Pathogenic. Last evaluated: 2023-12-15. Review status: criteria provided, single submitter. Criteria: Invitae Variant Classification Sherloc (09022015). Collection method: clinical testing. Allele origin: unknown.
Comment: This variant is a gross deletion of the genomic region encompassing exon(s) 1-3 of the LRP5 gene, which includes the initiator codon. This deletion extends beyond the assayed region for this gene and therefore may encompass additional genes. It is expected to result in an absent or disrupted protein product. Loss-of-function variants in LRP5 are known to be pathogenic (PMID: 11719191, 16252235, 25711638). This variant has not been reported in the literature in individuals affected with LRP5-related conditions. For these reasons, this variant has been classified as Pathogenic.

Literature cited by the submitters: PubMed 11719191; PubMed 16252235; PubMed 25711638.

NC_000011.9:g.(?_68080183)_(68125335_?)del

Gene: LRP5 (LDL receptor related protein 5; plus strand). Cytogenetic location: 11q13.2.
Variant type: Deletion.
Identifiers: ClinVar variation 3244744 (VCV003244744.1).